The following is an entry in ClinVar:

ClinVar aggregate classification (germline): Uncertain significance (1 of 4 stars; one submission).

Submission:

GeneDx
Classification: Uncertain significance. Last evaluated: 2026-04-07. Review status: criteria provided, single submitter. Criteria: GeneDx Variant Classification Process June 2021. Collection method: clinical testing. Allele origin: germline.
Comment: Not observed at significant frequency in large population cohorts (gnomAD); In silico analysis supports that this missense variant has a deleterious effect on protein structure/function; Has not been previously published as pathogenic or benign to our knowledge

NM_001256071.3(RNF213):c.13351G>C (p.Ala4451Pro)

Genes: RNF213 (ring finger protein 213; plus strand), RNF213-AS1 (RNF213 antisense RNA 1; minus strand). Cytogenetic location: 17q25.3.
Variant type: single nucleotide variant.
Coding change: c.13351G>C on transcript NM_001256071.3 (MANE Select); coding-DNA position 13351, G replaced by C.
Protein change: p.Ala4451Pro; replaces alanine 4451 with proline.
Molecular consequence: missense variant.
Genome position (GRCh38, 1-based): chr17:80,376,466, G>C. VCF-style: chr17-80376466-G-C. GRCh37 (hg19) VCF-style: chr17-78350266-G-C.
Other names: c.13498G>C, p.Ala4500Pro (NM_001410195.1, NM_020914.5); short protein forms A4451P, A4500P.
Identifiers: ClinVar variation 5018283 (VCV005018283.1).